The following is an entry in ClinVar:

ClinVar aggregate classification (germline): Uncertain significance (1 of 4 stars; one submission).

Conditions:
MHC class I deficiency. Identifiers: Orphanet 34592, MedGen C6024714, MONDO:0011476.

Submission:

Labcorp Genetics (formerly Invitae), Labcorp
Classification: Uncertain significance for MHC class I deficiency 1. Last evaluated: 2024-02-05. Review status: criteria provided, single submitter. Criteria: Invitae Variant Classification Sherloc (09022015). Collection method: clinical testing. Allele origin: germline.
Comment: This sequence change replaces glutamic acid, which is acidic and polar, with lysine, which is basic and polar, at codon 456 of the TAP1 protein (p.Glu456Lys). This variant is not present in population databases (gnomAD no frequency). This variant has not been reported in the literature in individuals affected with TAP1-related conditions. ClinVar contains an entry for this variant (Variation ID: 2052194). Algorithms developed to predict the effect of missense changes on protein structure and function output the following: SIFT: "Not Available"; PolyPhen-2: "Benign"; Align-GVGD: "Not Available". The lysine amino acid residue is found in multiple mammalian species, which suggests that this missense change does not adversely affect protein function. In summary, the available evidence is currently insufficient to determine the role of this variant in disease. Therefore, it has been classified as a Variant of Uncertain Significance.

NM_000593.6(TAP1):c.1186G>A (p.Glu396Lys)

Gene: TAP1 (transporter 1, ATP binding cassette subfamily B member; minus strand). Cytogenetic location: 6p21.32.
Variant type: single nucleotide variant.
Coding change: c.1186G>A on transcript NM_000593.6 (MANE Select); coding-DNA position 1186, G replaced by A.
Protein change: p.Glu396Lys; replaces glutamic acid 396 with lysine.
Molecular consequence: missense variant.
Genome position (GRCh38, 1-based): chr6:32,850,382, C>T on the plus strand (G>A on the coding strand, the complement: TAP1 is on the minus strand). VCF-style: chr6-32850382-C-T. GRCh37 (hg19) VCF-style: chr6-32818159-C-T.
Other names: c.583G>A, p.Glu195Lys (NM_001292022.2); short protein forms E195K, E396K.
Identifiers: ClinVar variation 2052194 (VCV002052194.4), dbSNP rs2483162862, ClinGen allele CA363592544.